The following is an entry in ClinVar:

NM_000080.4(CHRNE):c.590_591del (p.Glu197fs)

Genes: C17orf107 (chromosome 17 open reading frame 107; plus strand), CHRNE (cholinergic receptor nicotinic epsilon subunit; minus strand). Cytogenetic location: 17p13.2.
Variant type: Microsatellite.
Coding change: c.590_591del on transcript NM_000080.4 (MANE Select); coding-DNA positions 590 to 591, 2 bases deleted (AG; older notation c.590_591delAG).
Protein change: p.Glu197fs; shifts the reading frame from glutamic acid 197.
Molecular consequence: frameshift variant. On other transcripts: 3 prime UTR variant (1).
Genome position (GRCh38, 1-based): chr17:4,901,535-4,901,536, CT deleted on the plus strand (AG on the coding strand, the reverse complement: CHRNE is on the minus strand); deleting any 2 consecutive bases within chr17:4,901,535-4,901,538 gives the same sequence; the c. name uses the placement nearest the transcript's 3' end. VCF-style (leftmost placement, unchanged base first): chr17-4901534-CCT-C. GRCh37 (hg19) VCF-style: chr17-4804829-CCT-C.
Other names: c.*1002CT[1] (NM_001145536.2); short protein forms E197fs.
Identifiers: ClinVar variation 1069436 (VCV001069436.7), dbSNP rs2151097742, ClinGen allele CA2580613963.

ClinVar aggregate classification (germline): Pathogenic (1 of 4 stars; one submission).

Conditions:
Congenital myasthenic syndrome 4A. Also called: Myasthenic syndrome, congenital, 4a, slow-channel; CONGENITAL MYASTHENIC SYNDROME TYPE Ia1; MYASTHENIC SYNDROME, CONGENITAL, 4A, SLOW-CHANNEL, AUTOSOMAL RECESSIVE. Identifiers: Orphanet 590, MedGen C4225413, MONDO:0011600, OMIM 605809.

Submission:

Labcorp Genetics (formerly Invitae), Labcorp
Classification: Pathogenic for Congenital myasthenic syndrome 4A. Last evaluated: 2020-06-14. Review status: criteria provided, single submitter. Criteria: Invitae Variant Classification Sherloc (09022015). Collection method: clinical testing. Allele origin: germline.
Comment: Loss-of-function variants in CHRNE are known to be pathogenic (PMID: 22678886). This sequence change creates a premature translational stop signal (p.Glu197Glyfs*4) in the CHRNE gene. It is expected to result in an absent or disrupted protein product. This variant is not present in population databases (ExAC no frequency). This variant has not been reported in the literature in individuals with CHRNE-related conditions. For these reasons, this variant has been classified as Pathogenic.

Literature cited by the submitters: PubMed 22678886.